The following is an entry in ClinVar:

NM_000245.4(MET):c.1042C>A (p.Gln348Lys)

Gene: MET (MET proto-oncogene, receptor tyrosine kinase; plus strand). Cytogenetic location: 7q31.2.
Variant type: single nucleotide variant.
Coding change: c.1042C>A on transcript NM_000245.4 (MANE Select); coding-DNA position 1042, C replaced by A.
Protein change: p.Gln348Lys; replaces glutamine 348 with lysine.
Molecular consequence: missense variant. On other transcripts: intron variant (1).
Genome position (GRCh38, 1-based): chr7:116,700,126, C>A. VCF-style: chr7-116700126-C-A. GRCh37 (hg19) VCF-style: chr7-116340180-C-A.
Other names: c.1042C>A, p.Gln348Lys (NM_001127500.3, NM_001324401.3); c.-91+27549C>A (NM_001324402.2); short protein forms Q348K.
Identifiers: ClinVar variation 4053957 (VCV004053957.3).

ClinVar aggregate classification (germline): Conflicting classifications of pathogenicity. Review status: criteria provided, conflicting classifications (1 of 4 stars). 2 submissions from 2 submitters: Uncertain significance (1); Likely benign (1). Last evaluated 2026-07-09.

Conditions:
Hereditary cancer-predisposing syndrome. Also called: Neoplastic Syndromes, Hereditary; Tumor predisposition; Hereditary Cancer Syndrome; Hereditary neoplastic syndrome. Identifiers: Orphanet 140162, MedGen C0027672, MeSH D009386, MONDO:0015356.
Renal cell carcinoma. Identifiers: Orphanet 217071, MedGen C0007134, MeSH D002292, MONDO:0005086, HP:0005584.

gnomAD v4.1: 1 of 1,602,276 alleles (0.000062%); no homozygotes.

Submissions (2):

Ambry Genetics
Classification: Likely benign for Hereditary cancer-predisposing syndrome. Last evaluated: 2026-07-09. Review status: criteria provided, single submitter. Criteria: Ambry Variant Classification Scheme 2023. Collection method: clinical testing. Allele origin: germline.

Labcorp Genetics (formerly Invitae), Labcorp
Classification: Uncertain significance for Renal cell carcinoma. Last evaluated: 2025-07-28. Review status: criteria provided, single submitter. Criteria: Invitae Variant Classification Sherloc (09022015). Collection method: clinical testing. Allele origin: germline.
Comment: This sequence change replaces glutamine, which is neutral and polar, with lysine, which is basic and polar, at codon 348 of the MET protein (p.Gln348Lys). The frequency data for this variant in the population databases is considered unreliable, as metrics indicate poor data quality at this position in the gnomAD database. This variant has not been reported in the literature in individuals affected with MET-related conditions. ClinVar contains an entry for this variant (Variation ID: 4053957). Invitae Evidence Modeling of protein sequence and biophysical properties (such as structural, functional, and spatial information, amino acid conservation, physicochemical variation, residue mobility, and thermodynamic stability) indicates that this missense variant is not expected to disrupt MET protein function with a negative predictive value of 80%. In summary, the available evidence is currently insufficient to determine the role of this variant in disease. Therefore, it has been classified as a Variant of Uncertain Significance.